The following is an entry in ClinVar:

NM_001035.3(RYR2):c.7342+4A>T

Gene: RYR2 (ryanodine receptor 2; plus strand). Cytogenetic location: 1q43.
Variant type: single nucleotide variant.
Coding change: c.7342+4A>T on transcript NM_001035.3 (MANE Select); 4 bases into the intron after coding-DNA position 7342, A replaced by T.
Molecular consequence: intron variant.
Genome position (GRCh38, 1-based): chr1:237,643,451, A>T. VCF-style: chr1-237643451-A-T. GRCh37 (hg19) VCF-style: chr1-237806751-A-T.
Other names: c.7342+4A>T (NM_001035.2).
Identifiers: ClinVar variation 923080 (VCV000923080.10), dbSNP rs771358777, ClinGen allele CA087370.

ClinVar aggregate classification (germline): Conflicting classifications of pathogenicity. Review status: criteria provided, conflicting classifications (1 of 4 stars). 4 submissions from 4 submitters: Uncertain significance (2); Likely benign (2). Last evaluated 2026-01-12.

Conditions:
Cardiovascular phenotype. Identifiers: MedGen CN230736.
Catecholaminergic polymorphic ventricular tachycardia (CVPT). Also called: Catecholamine-induced polymorphic ventricular tachycardia. Identifiers: Orphanet 3286, MedGen C5574922, MONDO:0017990.
Cardiomyopathy (CMYO). Also called: Cardiomyopathies. Identifiers: Orphanet 167848, MedGen C0878544, MONDO:0004994, HP:0001638. Inheritance: Various modes of inheritance.
Catecholaminergic polymorphic ventricular tachycardia 1. Also called: VENTRICULAR TACHYCARDIA, CATECHOLAMINERGIC POLYMORPHIC, 1, WITH OR WITHOUT ATRIAL DYSFUNCTION AND/OR DILATED CARDIOMYOPATHY; RYR2-Related Catecholaminergic Polymorphic Ventricular Tachycardia; VENTRICULAR TACHYCARDIA, STRESS-INDUCED POLYMORPHIC 1. Identifiers: Orphanet 3286, MedGen C1631597, MONDO:0011484, OMIM 604772.

Allele frequency attached by ClinVar (database versions not stated): gnomAD exomes below 0.00001; ExAC 0.00001; gnomAD 0.00002 and 0.00003; TOPMed 0.00002.
gnomAD v4.1: 4 of 1,613,726 alleles (0.00025%); highest among the groups gnomAD compares: African/African-American, 0.0053%; no homozygotes.

Submissions (4):

Labcorp Genetics (formerly Invitae), Labcorp
Classification: Uncertain significance for Catecholaminergic polymorphic ventricular tachycardia 1. Last evaluated: 2026-01-12. Review status: criteria provided, single submitter. Criteria: Invitae Variant Classification Sherloc (09022015). Collection method: clinical testing. Allele origin: germline.
Comment: This sequence change falls in intron 48 of the RYR2 gene. It does not directly change the encoded amino acid sequence of the RYR2 protein. It affects a nucleotide within the consensus splice site. This variant is present in population databases (rs771358777, gnomAD 0.007%). This variant has not been reported in the literature in individuals affected with RYR2-related conditions. ClinVar contains an entry for this variant (Variation ID: 923080). Variants that disrupt the consensus splice site are a relatively common cause of aberrant splicing (PMID: 17576681, 9536098). Algorithms developed to predict the effect of sequence changes on RNA splicing suggest that this variant is not likely to affect RNA splicing. In summary, the available evidence is currently insufficient to determine the role of this variant in disease. Therefore, it has been classified as a Variant of Uncertain Significance.

All of Us Research Program, National Institutes of Health
Classification: Likely benign for Catecholaminergic polymorphic ventricular tachycardia. Last evaluated: 2023-08-28. Review status: criteria provided, single submitter. Criteria: ACMG Guidelines, 2015. Collection method: clinical testing. Allele origin: germline. Inheritance: Autosomal dominant inheritance. Observed: 1 variant allele, 1 heterozygote.
Comment: This study involves interpretation of variants in research participants for the purpose of population health screening. Participant phenotype was not available at the time of variant classification. Additional details can be found in publication PMID: 35346344, PMCID: PMC8962531

Ambry Genetics
Classification: Uncertain significance for Cardiovascular phenotype. Last evaluated: 2023-07-11. Review status: criteria provided, single submitter. Criteria: Ambry Variant Classification Scheme 2023. Collection method: clinical testing. Allele origin: germline.
Comment: The c.7342+4A>T intronic variant results from an A to T substitution 4 nucleotides after coding exon 48 in the RYR2 gene. This nucleotide position is well conserved in available vertebrate species. In silico splice site analysis predicts that this alteration will not have any significant effect on splicing. Since supporting evidence is limited at this time, the clinical significance of this alteration remains unclear.

Color Diagnostics, LLC DBA Color Health
Classification: Likely benign for Cardiomyopathy. Last evaluated: 2019-01-06. Review status: criteria provided, single submitter. Criteria: ACMG Guidelines, 2015. Collection method: clinical testing. Allele origin: germline.

Literature cited by the submitters: PubMed 17576681 (cited by Labcorp Genetics (formerly Invitae), Labcorp); PubMed 9536098 (cited by Labcorp Genetics (formerly Invitae), Labcorp).